The following is an entry in ClinVar:

ClinVar aggregate classification (germline): Likely benign. Review status: criteria provided, multiple submitters, no conflicts (2 of 4 stars). 4 submissions from 4 submitters: Likely benign (3). 1 of the submissions does not count toward it. Last evaluated 2026-03-01.

Conditions:
KIF11-related disorder. Also called: KIF11-related condition.

Allele frequency attached by ClinVar (database versions not stated): gnomAD exomes 0.00003 and 0.00006; ExAC 0.00007; gnomAD 0.00020 and 0.00021; ESP Exome Variant Server 0.00023; TOPMed 0.00025; 1000 Genomes Project 0.00040; 1000 Genomes Project 30x 0.00047.
gnomAD v4.1: 74 of 1,612,566 alleles (0.0046%); highest among the groups gnomAD compares: African/African-American, 0.093%; no homozygotes.

Submissions (4):

CeGaT Center for Human Genetics Tuebingen
Classification: Likely benign. Last evaluated: 2026-03-01. Review status: criteria provided, single submitter. Criteria: CeGaT Center For Human Genetics Tuebingen Variant Classification Criteria Version 2. Collection method: clinical testing. Allele origin: germline. Affected: yes. Observed: 1 variant allele.
Comment: KIF11: BP4, BP7

Blueprint Genetics
Classification: Likely benign. Last evaluated: 2024-08-28. Review status: criteria provided, single submitter. Criteria: ACMG Guidelines, 2015. Collection method: clinical testing. Allele origin: germline.

Labcorp Genetics (formerly Invitae), Labcorp
Classification: Likely benign. Last evaluated: 2024-06-19. Review status: criteria provided, single submitter. Criteria: Invitae Variant Classification Sherloc (09022015). Collection method: clinical testing. Allele origin: germline.

PreventionGenetics, part of Exact Sciences
Classification: Likely benign for KIF11-related condition. Last evaluated: 2019-05-23. Review status: no assertion criteria provided. Collection method: clinical testing. Allele origin: germline. Not counted in ClinVar's aggregate classification.
Comment: This variant is classified as likely benign based on ACMG/AMP sequence variant interpretation guidelines (Richards et al. 2015 PMID: 25741868, with internal and published modifications).

NM_004523.4(KIF11):c.2580A>G (p.Ser860=)

Gene: KIF11 (kinesin family member 11; plus strand). Cytogenetic location: 10q23.33.
Variant type: single nucleotide variant.
Coding change: c.2580A>G on transcript NM_004523.4 (MANE Select); coding-DNA position 2580, A replaced by G.
Protein change: p.Ser860=; no amino-acid change (serine 860 retained).
Molecular consequence: synonymous variant.
Genome position (GRCh38, 1-based): chr10:92,648,244, A>G. VCF-style: chr10-92648244-A-G. GRCh37 (hg19) VCF-style: chr10-94408001-A-G.
Other names: c.2580A>G (NM_004523.3).
Identifiers: ClinVar variation 1091483 (VCV001091483.16), dbSNP rs36046902, ClinGen allele CA5604424.
Genomic context (GRCh38, chr10:92,648,244, plus strand): 5'-AATAAATATTTATTTGCATCATTTACAGGTTGTAAGCCAATGTTGTGAGGCTTCAAGTTC[A>G]GACATCACTGAGAAATCAGATGGACGTAAGGCAGCTCATGAGAAACAGCATAACATTTTT-3'
Protein context (NP_004514.2, residues 850-870): VVSQCCEASS[Ser860=]DITEKSDGRK